The following is an entry in ClinVar:

NM_001905.4(CTPS1):c.451G>A (p.Val151Met)

Gene: CTPS1 (CTP synthase 1; plus strand). Cytogenetic location: 1p34.2.
Variant type: single nucleotide variant.
Coding change: c.451G>A on transcript NM_001905.4 (MANE Select); coding-DNA position 451, G replaced by A.
Protein change: p.Val151Met; replaces valine 151 with methionine.
Molecular consequence: missense variant. On other transcripts: 5 prime UTR variant (1), non-coding transcript variant (1).
Genome position (GRCh38, 1-based): chr1:40,988,606, G>A. VCF-style: chr1-40988606-G-A. GRCh37 (hg19) VCF-style: chr1-41454278-G-A.
Other names: c.-18G>A (NM_001301237.2); short protein forms V151M.
Identifiers: ClinVar variation 575496 (VCV000575496.8), dbSNP rs372858150, ClinGen allele CA21132672.

ClinVar aggregate classification (germline): Uncertain significance (1 of 4 stars; one submission).

Conditions:
Combined immunodeficiency due to CTPS1 deficiency. Also called: Immunodeficiency 24; Severe combined immunodeficiency due to CTPS1 deficiency. Identifiers: Orphanet 420573, MedGen C4014617, MONDO:0014391, OMIM 615897.

Allele frequency attached by ClinVar (database versions not stated): gnomAD 0.00001; TOPMed 0.00001; ESP Exome Variant Server 0.00008.
gnomAD v4.1: 9 of 1,613,362 alleles (0.00056%); highest among the groups gnomAD compares: Non-Finnish European, 0.00059%; no homozygotes.

Submission:

Labcorp Genetics (formerly Invitae), Labcorp
Classification: Uncertain significance for Combined immunodeficiency due to CTPS1 deficiency. Last evaluated: 2022-02-04. Review status: criteria provided, single submitter. Criteria: Invitae Variant Classification Sherloc (09022015). Collection method: clinical testing. Allele origin: germline.
Comment: In summary, the available evidence is currently insufficient to determine the role of this variant in disease. Therefore, it has been classified as a Variant of Uncertain Significance. This sequence change replaces valine, which is neutral and non-polar, with methionine, which is neutral and non-polar, at codon 151 of the CTPS1 protein (p.Val151Met). This variant is present in population databases (rs372858150, gnomAD 0.007%). This variant has not been reported in the literature in individuals affected with CTPS1-related conditions. ClinVar contains an entry for this variant (Variation ID: 575496). Algorithms developed to predict the effect of missense changes on protein structure and function are either unavailable or do not agree on the potential impact of this missense change (SIFT: "Deleterious"; PolyPhen-2: "Probably Damaging"; Align-GVGD: "Class C0").